The following is an entry in ClinVar:

NM_006005.3(WFS1):c.1277G>A (p.Cys426Tyr)

Gene: WFS1 (wolframin ER transmembrane glycoprotein; plus strand). Cytogenetic location: 4p16.1.
Variant type: single nucleotide variant.
Coding change: c.1277G>A on transcript NM_006005.3 (MANE Select); coding-DNA position 1277, G replaced by A.
Protein change: p.Cys426Tyr; replaces cysteine 426 with tyrosine.
Molecular consequence: missense variant.
Genome position (GRCh38, 1-based): chr4:6,301,072, G>A. VCF-style: chr4-6301072-G-A. GRCh37 (hg19) VCF-style: chr4-6302799-G-A.
Other names: p.C426Y:TGC>TAC; c.1277G>A, p.Cys426Tyr (NM_001145853.1); short protein forms C426Y.
Identifiers: ClinVar variation 45432 (VCV000045432.57), dbSNP rs35218685, ClinGen allele CA282568.

ClinVar aggregate classification (germline): Benign/Likely benign. Review status: criteria provided, multiple submitters, no conflicts (2 of 4 stars). 11 submissions from 11 submitters: Benign (4); Likely benign (5). 2 of the submissions do not count toward it. Last evaluated 2026-01-27.

Conditions:
Monogenic diabetes. Identifiers: Orphanet 183625, MedGen C3888631, MONDO:0015967.
WFS1-Related Spectrum Disorders.
Wolfram syndrome 1 (WFS1). Identifiers: Orphanet 3463, MedGen C4551693, MONDO:0009101, OMIM 222300.

Allele frequency attached by ClinVar (database versions not stated): ESP Exome Variant Server 0.00115; gnomAD 0.00156 and 0.00160; TOPMed 0.00166.

Submissions (11):

Labcorp Genetics (formerly Invitae), Labcorp
Classification: Benign. Last evaluated: 2026-01-27. Review status: criteria provided, single submitter. Criteria: Invitae Variant Classification Sherloc (09022015). Collection method: clinical testing. Allele origin: germline.

ARUP Laboratories, Molecular Genetics and Genomics, ARUP Laboratories
Classification: Benign. Last evaluated: 2025-06-02. Review status: criteria provided, single submitter. Criteria: ARUP Molecular Germline Variant Investigation Process 2024. Collection method: clinical testing. Allele origin: germline.

CeGaT Center for Human Genetics Tuebingen
Classification: Likely benign. Last evaluated: 2025-05-01. Review status: criteria provided, single submitter. Criteria: CeGaT Center For Human Genetics Tuebingen Variant Classification Criteria Version 2. Collection method: clinical testing. Allele origin: germline. Affected: yes. Observed: 6 variant alleles.
Comment: WFS1: BS2

Personalized Diabetes Medicine Program, University of Maryland School of Medicine
Classification: Likely benign for Monogenic diabetes. Last evaluated: 2018-01-12. Review status: criteria provided, single submitter. Criteria: ACMG Guidelines, 2015. Collection method: research. Allele origin: unknown. Observed: 1 variant allele, 1 heterozygote.
Comment: ACMG criteria: PP3 (4 predictors), BP4 (5 predictors), BS2 (36 cases and 42 controls in an online resource), BP6 (GeneDx says benign and Partners and Chicago call likely benign)=likely benign

Laboratory for Molecular Medicine, Mass General Brigham Personalized Medicine
Classification: Benign. Last evaluated: 2017-07-05. Review status: criteria provided, single submitter. Criteria: LMM Criteria. Collection method: clinical testing. Allele origin: germline. Observed: 9 variant alleles.
Comment: p.Cys426Tyr in exon 8 of WFS1: This variant is not expected to have clinical sig nificance because it is has been identified in 5% (511/10150 Ashkenazi Jewish ch romosomes including 10 homozygotes by the genome Aggregation Database (gnomAD; dbSNP rs35218685).

Illumina Laboratory Services, Illumina
Classification: Likely benign for WFS1-Related Spectrum Disorders. Last evaluated: 2017-04-27. Review status: criteria provided, single submitter. Criteria: ICSL Variant Classification Criteria 13 December 2019. Collection method: clinical testing. Allele origin: germline.
Comment: This variant was observed as part of a predisposition screen in an ostensibly healthy population. A literature search was performed for the gene, cDNA change, and amino acid change (where applicable). No publications were found based on this search. Allele frequency data from public databases allowed determination this variant is unlikely to cause disease. Therefore, this variant is classified as likely benign.

Genetic Services Laboratory, University of Chicago
Classification: Likely benign. Last evaluated: 2015-06-25. Review status: criteria provided, single submitter. Criteria: ACMG Guidelines, 2015. Collection method: clinical testing. Allele origin: germline.

GeneDx
Classification: Benign. Last evaluated: 2014-04-24. Review status: criteria provided, single submitter. Criteria: GeneDx Variant Classification (06012015). Collection method: clinical testing. Allele origin: germline. Affected: yes.
Comment: This variant is considered likely benign or benign based on one or more of the following criteria: it is a conservative change, it occurs at a poorly conserved position in the protein, it is predicted to be benign by multiple in silico algorithms, and/or has population frequency not consistent with disease.

Clinical Genomics, Uppaluri K&H Personalized Medicine Clinic
Classification: Likely benign for Wolfram syndrome 1. Review status: criteria provided, single submitter. Criteria: K & H Uppaluri Personalized Medicine Clinic Variant Classification & Assertion Criteria_Updated V.1. Collection method: research. Allele origin: unknown. Inheritance: Autosomal recessive inheritance.
Comment: Mutations in WFS1 gene are associated with Wolfram's syndrome, an autosomal recessive condition, which cause diabetes mellitus, diabetes insipidus, deafness and optic atrophy. rs35218685 variant is also seen in patients with Diabetes Mellitus. However, the role of this particular variant is yet to be ascertained.

Clinical Genetics DNA and cytogenetics Diagnostics Lab, Erasmus MC, Erasmus Medical Center
Classification: Likely benign. Review status: no assertion criteria provided. Collection method: clinical testing. Allele origin: germline. Affected: yes. Study: VKGL Data-share Consensus. Not counted in ClinVar's aggregate classification.

Laboratory of Diagnostic Genome Analysis, Leiden University Medical Center (LUMC)
Classification: Likely benign. Review status: no assertion criteria provided. Collection method: clinical testing. Allele origin: germline. Affected: yes. Study: VKGL Data-share Consensus. Not counted in ClinVar's aggregate classification.

Literature cited by the submitters: PubMed 11244483 (cited by Laboratory for Molecular Medicine, Mass General Brigham Personalized Medicine); PubMed 22797899 (cited by Laboratory for Molecular Medicine, Mass General Brigham Personalized Medicine); PubMed 28502252 (cited by Clinical Genomics, Uppaluri K&H Personalized Medicine Clinic).